The following is an entry in ClinVar:

ClinVar aggregate classification (germline): Likely pathogenic (1 of 4 stars; one submission).

Conditions:
Bethlem myopathy 1A. Also called: Bethlem Muscular Dystrophy; Bethlem myopathy 1; MYOPATHY, BENIGN CONGENITAL, WITH CONTRACTURES. Identifiers: Orphanet 610, MedGen CN029274, MONDO:0024530, OMIM 158810.

Submission:

Labcorp Genetics (formerly Invitae), Labcorp
Classification: Likely pathogenic for Bethlem myopathy 1. Last evaluated: 2018-11-07. Review status: criteria provided, single submitter. Criteria: Invitae Variant Classification Sherloc (09022015). Collection method: clinical testing. Allele origin: germline.
Comment: This variant is a deletion of the genomic region encompassing part of exon 5 (c.735+9_784del) of the COL6A2 gene. It is expected to disrupt RNA splicing and likely results in an absent or disrupted protein product. This variant has not been reported in the literature in individuals with COL6A2-related disease. Loss-of-function variants in COL6A2 are known to be pathogenic (PMID: 19884007, 20976770). In summary, the currently available evidence indicates that the variant is pathogenic, but additional data are needed to prove that conclusively. Therefore, this variant has been classified as Likely Pathogenic.

NM_001849.4(COL6A2):c.735+9_784del

Gene: COL6A2 (collagen type VI alpha 2 chain; plus strand). Cytogenetic location: 21q22.3.
Variant type: Deletion.
Coding change: c.735+9_784del on transcript NM_001849.4 (MANE Select); 9 bases into the intron after coding-DNA position 735 through coding-DNA position 784, 1,224 bases deleted.
Molecular consequence: splice acceptor variant.
Genome position (GRCh38, 1-based): chr21:46,112,833-46,114,056, 1,224 bases deleted. GRCh37 (hg19): chr21:47,532,747-47,533,970.
Other names: c.735+9_784del (NM_058175.3, NM_058174.3).
Identifiers: ClinVar variation 646464 (VCV000646464.1), ClinGen allele CA915952634.